The following is an entry in ClinVar:

NM_000219.6(KCNE1):c.309C>A (p.Tyr103Ter)

Gene: KCNE1 (potassium voltage-gated channel subfamily E regulatory subunit 1; minus strand). Cytogenetic location: 21q22.12.
Variant type: single nucleotide variant.
Coding change: c.309C>A on transcript NM_000219.6 (MANE Select); coding-DNA position 309, C replaced by A.
Protein change: p.Tyr103Ter; replaces tyrosine 103 with a stop codon.
Molecular consequence: nonsense.
Genome position (GRCh38, 1-based): chr21:34,449,326, G>T on the plus strand (C>A on the coding strand, the complement: KCNE1 is on the minus strand). VCF-style: chr21-34449326-G-T. GRCh37 (hg19) VCF-style: chr21-35821624-G-T.
Other names: c.309C>A, p.Tyr103Ter (NM_001127668.4, NM_001127669.4, NM_001127670.4 and 4 more transcripts); short protein forms Y103*.
Identifiers: ClinVar variation 3374599 (VCV003374599.2).

Conditions:
Long QT syndrome 5 (LQT5). Identifiers: Orphanet 101016, Orphanet 768, MedGen C1867904, MONDO:0013372, OMIM 613695.

Submission:

Roden Lab, Vanderbilt University Medical Center
No classification provided (evidence only). Condition: Long QT syndrome 5. Review status: no classification provided. Collection method: in vitro. Allele origin: not applicable. Functional consequence: Effect on ion channel function.
ClinVar note: "not provided" was previously submitted as the classification for the variant. However, the classification appeared to be based only on an observation of functional data so it was converted to no classification on 2025-07-30.